The following is an entry in ClinVar:

ClinVar aggregate classification (germline): Benign/Likely benign. Review status: criteria provided, multiple submitters, no conflicts (2 of 4 stars). 4 submissions from 4 submitters: Benign (1); Likely benign (3). Last evaluated 2026-01-28.

Conditions:
CEP104-related disorder. Also called: CEP104-related condition.
Joubert syndrome 25 (JBTS25). Identifiers: Orphanet 475, MedGen C4084842, MONDO:0014770, OMIM 616781.

Allele frequency attached by ClinVar (database versions not stated): ESP Exome Variant Server 0.00023; gnomAD exomes 0.00025 and 0.00039; gnomAD 0.00029 and 0.00031; ExAC 0.00031.
gnomAD v4.1: 399 of 1,613,856 alleles (0.025%); highest among the groups gnomAD compares: Non-Finnish European, 0.018%; 2 homozygotes.

Submissions (4):

Labcorp Genetics (formerly Invitae), Labcorp
Classification: Benign for Joubert syndrome 25. Last evaluated: 2026-01-28. Review status: criteria provided, single submitter. Criteria: Invitae Variant Classification Sherloc (09022015). Collection method: clinical testing. Allele origin: germline.

PreventionGenetics, part of Exact Sciences
Classification: Likely benign for CEP104-related condition. Last evaluated: 2025-12-11. Review status: criteria provided, single submitter. Criteria: ACMG Guidelines, 2015. Collection method: clinical testing. Allele origin: germline.
Comment: This variant is classified as likely benign based on ACMG/AMP sequence variant interpretation guidelines (Richards et al. 2015 PMID: 25741868, with internal and published modifications).

Blueprint Genetics
Classification: Likely benign. Last evaluated: 2024-11-21. Review status: criteria provided, single submitter. Criteria: ACMG Guidelines, 2015. Collection method: clinical testing. Allele origin: germline.

CeGaT Center for Human Genetics Tuebingen
Classification: Likely benign. Last evaluated: 2023-11-01. Review status: criteria provided, single submitter. Criteria: CeGaT Center For Human Genetics Tuebingen Variant Classification Criteria Version 2. Collection method: clinical testing. Allele origin: germline. Affected: yes. Observed: 2 variant alleles.
Comment: CEP104: BP4, BS2

NM_014704.4(CEP104):c.2234C>T (p.Pro745Leu)

Gene: CEP104 (centrosomal protein 104; minus strand). Cytogenetic location: 1p36.32.
Variant type: single nucleotide variant.
Coding change: c.2234C>T on transcript NM_014704.4 (MANE Select); coding-DNA position 2234, C replaced by T.
Protein change: p.Pro745Leu; replaces proline 745 with leucine.
Molecular consequence: missense variant.
Genome position (GRCh38, 1-based): chr1:3,826,391, G>A on the plus strand (C>T on the coding strand, the complement: CEP104 is on the minus strand). VCF-style: chr1-3826391-G-A. GRCh37 (hg19) VCF-style: chr1-3742955-G-A.
Other names: c.2234C>T (NM_014704.3); short protein forms P745L.
Identifiers: ClinVar variation 1165705 (VCV001165705.34), dbSNP rs201407033, ClinGen allele CA551363.